The following is an entry in ClinVar:

NM_000138.5(FBN1):c.491del (p.Asn164fs)

Gene: FBN1 (fibrillin 1; minus strand). Cytogenetic location: 15q21.1.
Variant type: Deletion.
Coding change: c.491del on transcript NM_000138.5 (MANE Select); coding-DNA position 491, one base deleted (A; older notation c.491delA).
Protein change: p.Asn164fs; shifts the reading frame from asparagine 164.
Molecular consequence: frameshift variant.
Genome position (GRCh38, 1-based): chr15:48,596,330, T deleted on the plus strand (A on the coding strand, the reverse complement: FBN1 is on the minus strand); the first of 3 consecutive T bases (chr15:48,596,330-48,596,332); deleting any one gives the same sequence. VCF-style (leftmost placement, unchanged base first): chr15-48596329-AT-A. GRCh37 (hg19) VCF-style: chr15-48888526-AT-A.
Other names: short protein forms N164fs.
Identifiers: ClinVar variation 837896 (VCV000837896.9), dbSNP rs2044515447, ClinGen allele CA916082416.

ClinVar aggregate classification (germline): Pathogenic. Review status: criteria provided, multiple submitters, no conflicts (2 of 4 stars). 2 submissions from 2 submitters: Pathogenic (2). Last evaluated 2024-06-12.

Conditions:
Geleophysic dysplasia 2 (GPHYSD2). Identifiers: Orphanet 2623, MedGen C3280054, MONDO:0013612, OMIM 614185.
Ectopia lentis 1, isolated, autosomal dominant (ECTOL1). Identifiers: Orphanet 1885, MedGen C3541518, MONDO:0007514, OMIM 129600.
MASS syndrome (OCTD). Also called: OVERLAP CONNECTIVE TISSUE DISEASE; MASS PHENOTYPE. Identifiers: MedGen C1858556, MONDO:0011431, OMIM 604308.
Weill-Marchesani syndrome 2, dominant. Also called: FBN1-Related Weill-Marchesani Syndrome; Weill-Marchesani Syndrome, Autosomal Dominant. Identifiers: Orphanet 2084, MedGen C1869115, MONDO:0012013, OMIM 608328.
Acromicric dysplasia (ACMICD). Also called: Acromicric skeletal dysplasia. Identifiers: Orphanet 969, MedGen C0265287, MONDO:0007055, OMIM 102370.
Marfan syndrome (MFS). Also called: FBN1-Related Marfan Syndrome; Marfan's syndrome; MARFAN SYNDROME, TYPE I; Marfan syndrome type 1; Marfan syndrome, classic. Identifiers: Orphanet 284963, Orphanet 558, MedGen C0024796, MONDO:0007947, OMIM 154700.
Stiff skin syndrome (SSKS). Identifiers: Orphanet 2833, MedGen C1861456, MONDO:0008492, OMIM 184900.
Progeroid and marfanoid aspect-lipodystrophy syndrome. Also called: MARFANOID-PROGEROID-LIPODYSTROPHY SYNDROME; Marfan lipodystrophy syndrome; MARFANOID-PROGEROID SYNDROME; MARFAN-PROGEROID-LIPODYSTROPHY SYNDROME. Identifiers: Orphanet 300382, MedGen C4310796, MONDO:0014831, OMIM 616914.
Familial thoracic aortic aneurysm and aortic dissection (TAAD). Also called: Thoracic aortic aneurysms and dissections. Identifiers: Orphanet 91387, MedGen C4707243, MONDO:0019625.

Submissions (2):

Fulgent Genetics
Classification: Pathogenic for Acromicric dysplasia; Ectopia lentis 1, isolated, autosomal dominant; Marfan syndrome; Stiff skin syndrome; MASS syndrome; Weill-Marchesani syndrome 2, dominant; Geleophysic dysplasia 2; Progeroid and marfanoid aspect-lipodystrophy syndrome. Last evaluated: 2024-06-12. Review status: criteria provided, single submitter. Criteria: ACMG Guidelines, 2015. Collection method: clinical testing. Allele origin: germline.

Labcorp Genetics (formerly Invitae), Labcorp
Classification: Pathogenic for Marfan syndrome; Familial thoracic aortic aneurysm and aortic dissection. Last evaluated: 2020-01-25. Review status: criteria provided, single submitter. Criteria: Invitae Variant Classification Sherloc (09022015). Collection method: clinical testing. Allele origin: germline.
Comment: For these reasons, this variant has been classified as Pathogenic. Loss-of-function variants in FBN1 are known to be pathogenic (PMID: 17657824, 19293843). This variant has not been reported in the literature in individuals with FBN1-related conditions. This variant is not present in population databases (ExAC no frequency). This sequence change creates a premature translational stop signal (p.Asn164Ilefs*26) in the FBN1 gene. It is expected to result in an absent or disrupted protein product.

Literature cited by the submitters: PubMed 17657824 (cited by Labcorp Genetics (formerly Invitae), Labcorp); PubMed 19293843 (cited by Labcorp Genetics (formerly Invitae), Labcorp).